The following is an entry in ClinVar:

ClinVar aggregate classification (germline): Benign/Likely benign. Review status: criteria provided, multiple submitters, no conflicts (2 of 4 stars). 2 submissions from 2 submitters: Benign (1); Likely benign (1). Last evaluated 2026-05-05.

Conditions:
Colorectal cancer, hereditary nonpolyposis, type 7. Identifiers: Orphanet 144, MedGen C1858380, MONDO:0013725, OMIM 614385.

Submissions (2):

Myriad Genetics, Inc.
Classification: Benign for Colorectal cancer, hereditary nonpolyposis, type 7. Last evaluated: 2026-05-05. Review status: criteria provided, single submitter. Criteria: Myriad Autosomal Dominant, Autosomal Recessive and X-Linked Classification Criteria (2023). Collection method: clinical testing. Allele origin: unknown.
Comment: This variant is considered benign. This variant is a silent/synonymous amino acid change and it is not expected to impact splicing.

Ambry Genetics
Classification: Likely benign. Last evaluated: 2025-05-11. Review status: criteria provided, single submitter. Criteria: Ambry Variant Classification Scheme 2023. Collection method: clinical testing. Allele origin: germline.

NM_001040108.2(MLH3):c.3201C>T (p.Phe1067=)

Gene: MLH3 (mutL homolog 3; minus strand). Cytogenetic location: 14q24.3.
Variant type: single nucleotide variant.
Coding change: c.3201C>T on transcript NM_001040108.2 (MANE Select); coding-DNA position 3201, C replaced by T.
Protein change: p.Phe1067=; no amino-acid change (phenylalanine 1067 retained).
Molecular consequence: synonymous variant.
Genome position (GRCh38, 1-based): chr14:75,046,455, G>A on the plus strand (C>T on the coding strand, the complement: MLH3 is on the minus strand). VCF-style: chr14-75046455-G-A. GRCh37 (hg19) VCF-style: chr14-75513158-G-A.
Other names: c.3201C>T, p.Phe1067= (NM_014381.3).
Identifiers: ClinVar variation 4055499 (VCV004055499.2).